The following is an entry in ClinVar:

ClinVar aggregate classification (germline): Benign. Review status: criteria provided, multiple submitters, no conflicts (2 of 4 stars). 2 submissions from 2 submitters: Benign (2). Last evaluated 2026-03-24.

Allele frequency attached by ClinVar (database versions not stated): ESP Exome Variant Server 0.00009; gnomAD exomes 0.00012; TOPMed 0.00013; ExAC 0.00015; gnomAD 0.00015.
gnomAD v4.1: 143 of 1,208,987 alleles (0.012%); highest among the groups gnomAD compares: Non-Finnish European, 0.015%; no homozygotes.

Submissions (2):

Women's Health and Genetics/Laboratory Corporation of America, LabCorp
Classification: Benign. Last evaluated: 2026-03-24. Review status: criteria provided, single submitter. Criteria: LabCorp Variant Classification Summary - May 2015. Collection method: clinical testing. Allele origin: germline.
Comment: Variant summary: AMER1 c.1153G>C (p.Glu385Gln) results in a conservative amino acid change in the encoded protein sequence. Algorithms developed to predict the effect of missense changes on protein structure and function all suggest that this variant is likely to be tolerated. The variant allele was found at a frequency of 0.00011 in 183037 control chromosomes, predominantly at a frequency of 0.00023 within the Non-Finnish European subpopulation in the gnomAD database. A total of 10 hemizygotes of this variant was observed. To our knowledge, no occurrence of c.1153G>C in individuals affected with AMER1-related conditions and no experimental evidence demonstrating its impact on protein function have been reported. ClinVar contains an entry for this variant (Variation ID: 2170442). Based on the evidence outlined above, the variant was classified as benign.

Labcorp Genetics (formerly Invitae), Labcorp
Classification: Benign. Last evaluated: 2024-10-24. Review status: criteria provided, single submitter. Criteria: Invitae Variant Classification Sherloc (09022015). Collection method: clinical testing. Allele origin: germline.

NM_152424.4(AMER1):c.1153G>C (p.Glu385Gln)

Gene: AMER1 (APC membrane recruitment protein 1; minus strand). Cytogenetic location: Xq11.2.
Variant type: single nucleotide variant.
Coding change: c.1153G>C on transcript NM_152424.4 (MANE Select); coding-DNA position 1153, G replaced by C.
Protein change: p.Glu385Gln; replaces glutamic acid 385 with glutamine.
Molecular consequence: missense variant.
Genome position (GRCh38, 1-based): chrX:64,192,134, C>G on the plus strand (G>C on the coding strand, the complement: AMER1 is on the minus strand). VCF-style: chrX-64192134-C-G. GRCh37 (hg19) VCF-style: chrX-63412014-C-G.
Other names: short protein forms E385Q.
Identifiers: ClinVar variation 2170442 (VCV002170442.5), dbSNP rs368719613, ClinGen allele CA10432383.